The following is an entry in ClinVar:

ClinVar aggregate classification (germline): Likely benign. Review status: criteria provided, multiple submitters, no conflicts (2 of 4 stars). 2 submissions from 2 submitters: Likely benign (2). Last evaluated 2026-02-01.

Conditions:
Early-infantile DEE. Also called: Ohtahara syndrome; Early infantile epileptic encephalopathy; Early infantile epileptic encephalopathy with suppression bursts. Identifiers: Orphanet 1934, MedGen C0393706, MONDO:0800491.

Allele frequency attached by ClinVar (database versions not stated): ExAC 0.00001; gnomAD 0.00001.
gnomAD v4.1: 9 of 1,612,948 alleles (0.00056%); highest among the groups gnomAD compares: East Asian, 0.0022%; no homozygotes.

Submissions (2):

CeGaT Center for Human Genetics Tuebingen
Classification: Likely benign. Last evaluated: 2026-02-01. Review status: criteria provided, single submitter. Criteria: CeGaT Center For Human Genetics Tuebingen Variant Classification Criteria Version 2. Collection method: clinical testing. Allele origin: germline. Affected: yes. Observed: 1 variant allele.
Comment: CACNA2D2: BP4, BP7

Labcorp Genetics (formerly Invitae), Labcorp
Classification: Likely benign for Early-infantile DEE. Last evaluated: 2023-02-03. Review status: criteria provided, single submitter. Criteria: Invitae Variant Classification Sherloc (09022015). Collection method: clinical testing. Allele origin: germline.

NM_006030.4(CACNA2D2):c.1824G>A (p.Thr608=)

Gene: CACNA2D2 (calcium voltage-gated channel auxiliary subunit alpha2delta 2; minus strand). Cytogenetic location: 3p21.31.
Variant type: single nucleotide variant.
Coding change: c.1824G>A on transcript NM_006030.4 (MANE Select); coding-DNA position 1824, G replaced by A.
Protein change: p.Thr608=; no amino-acid change (threonine 608 retained).
Molecular consequence: synonymous variant.
Genome position (GRCh38, 1-based): chr3:50,375,830, C>T on the plus strand (G>A on the coding strand, the complement: CACNA2D2 is on the minus strand). VCF-style: chr3-50375830-C-T. GRCh37 (hg19) VCF-style: chr3-50413261-C-T.
Other names: c.1824G>A, p.Thr608= (NM_001005505.3, NM_001174051.3); c.1617G>A, p.Thr539= (NM_001291101.1).
Identifiers: ClinVar variation 1119631 (VCV001119631.12), dbSNP rs774217388, ClinGen allele CA2418719.
Genomic context (GRCh38, chr3:50,375,830, plus strand): 5'-CCCACCCTGACTCCCTGGCCCCCAGCCCTGCCTCCTTACCTCATCCAGGGACTTGACCAA[C>T]GTTCTGATCTGCTTGTGGCCCTTGTTGCCATCAATCATGCTCCGACGGATCTGGAAGGGC-3'
Protein context (NP_006021.2, residues 598-618): DGNKGHKQIR[Thr608=]LVKSLDERYI